The following is an entry in ClinVar:

NM_177972.3(TUB):c.115AAG[2] (p.Lys41del)

Gene: TUB (TUB bipartite transcription factor; plus strand). Cytogenetic location: 11p15.4.
Variant type: Microsatellite.
Coding change: c.115AAG[2] on transcript NM_177972.3 (MANE Select); two copies in a row of the 3-base unit AAG starting at c.115; the reference has three copies in a row; one copy, 3 bases deleted; also written c.121_123del.
Protein change: p.Lys41del; deletes lysine 41.
Molecular consequence: inframe deletion.
Genome position (GRCh38, 1-based): chr11:8,090,099-8,090,101, AAG deleted; deleting any 3 consecutive bases within chr11:8,090,091-8,090,101 gives the same sequence; the position shown is the placement nearest the transcript's 3' end. VCF-style (leftmost placement, unchanged base first): chr11-8090090-CAGA-C. GRCh37 (hg19) VCF-style: chr11-8111637-CAGA-C.
Other names: c.121_123del (NM_177972.2); c.280AAG[2], p.Lys96del (NM_003320.5); c.286_288delAAG (NM_003320.4); short protein forms K41del, K96del.
Identifiers: ClinVar variation 1043142 (VCV001043142.10), dbSNP rs749961508, ClinGen allele CA5870963.

ClinVar aggregate classification (germline): Uncertain significance. Review status: criteria provided, multiple submitters, no conflicts (2 of 4 stars). 3 submissions from 3 submitters: Uncertain significance (2). 1 of the submissions does not count toward it. Last evaluated 2023-04-03.

Conditions:
TUB-related disorder. Also called: TUB-related condition.
Retinal dystrophy and obesity (RDOB). Identifiers: Orphanet 791, MedGen C4015424, MONDO:0014522, OMIM 616188.

Submissions (3):

New York Genome Center
Classification: Uncertain significance for Retinal dystrophy and obesity. Last evaluated: 2023-04-03. Review status: criteria provided, single submitter. Criteria: NYGC Assertion Criteria 2020. Collection method: clinical testing. Allele origin: germline. Observed: 1 heterozygote.

Labcorp Genetics (formerly Invitae), Labcorp
Classification: Uncertain significance. Last evaluated: 2022-09-27. Review status: criteria provided, single submitter. Criteria: Invitae Variant Classification Sherloc (09022015). Collection method: clinical testing. Allele origin: germline.
Comment: This variant, c.286_288del, results in the deletion of 1 amino acid(s) of the TUB protein (p.Lys96del), but otherwise preserves the integrity of the reading frame. In summary, the available evidence is currently insufficient to determine the role of this variant in disease. Therefore, it has been classified as a Variant of Uncertain Significance. Experimental studies and prediction algorithms are not available or were not evaluated, and the functional significance of this variant is currently unknown. This variant has not been reported in the literature in individuals affected with TUB-related conditions. This variant is present in population databases (rs780660699, gnomAD 0.01%).

PreventionGenetics, part of Exact Sciences
Classification: Uncertain significance for TUB-related condition. Last evaluated: 2024-01-30. Review status: no assertion criteria provided. Collection method: clinical testing. Allele origin: germline. Not counted in ClinVar's aggregate classification.
Comment: The TUB c.286_288delAAG variant is predicted to result in an in-frame deletion (p.Lys96del). To our knowledge, this variant has not been reported in the literature. This variant is reported in 0.012% of alleles in individuals of African descent in gnomAD. At this time, the clinical significance of this variant is uncertain due to the absence of conclusive functional and genetic evidence.